The following is an entry in ClinVar:

ClinVar aggregate classification (germline): Uncertain significance. Review status: criteria provided, multiple submitters, no conflicts (2 of 4 stars). 2 submissions from 2 submitters: Uncertain significance (2). Last evaluated 2025-11-18.

Conditions:
Hereditary cancer-predisposing syndrome. Also called: Neoplastic Syndromes, Hereditary; Hereditary Cancer Syndrome; Tumor predisposition; Hereditary neoplastic syndrome. Identifiers: Orphanet 140162, MedGen C0027672, MeSH D009386, MONDO:0015356.
Neuroblastoma, susceptibility to, 3. Also called: ALK-Related Neuroblastic Tumor Susceptibility. Identifiers: Orphanet 635, MedGen C2751681, MONDO:0013083, OMIM 613014.

gnomAD v4.1: 1 of 1,614,138 alleles (0.000062%); highest among the groups gnomAD compares: South Asian, 0.0011%; no homozygotes.

Submissions (2):

Ambry Genetics
Classification: Uncertain significance for Hereditary cancer-predisposing syndrome. Last evaluated: 2025-11-18. Review status: criteria provided, single submitter. Criteria: Ambry Variant Classification Scheme 2023. Collection method: clinical testing. Allele origin: germline.
Comment: The p.H224N variant (also known as c.670C>A), located in coding exon 2 of the ALK gene, results from a C to A substitution at nucleotide position 670. The histidine at codon 224 is replaced by asparagine, an amino acid with similar properties. This amino acid position is conserved. In addition, this alteration is predicted to be tolerated by in silico analysis. Based on the available evidence, the clinical significance of this variant remains unclear.

Labcorp Genetics (formerly Invitae), Labcorp
Classification: Uncertain significance for Neuroblastoma, susceptibility to, 3. Last evaluated: 2021-01-20. Review status: criteria provided, single submitter. Criteria: Invitae Variant Classification Sherloc (09022015). Collection method: clinical testing. Allele origin: germline.
Comment: This sequence change replaces histidine with asparagine at codon 224 of the ALK protein (p.His224Asn). The histidine residue is moderately conserved and there is a small physicochemical difference between histidine and asparagine. This variant is not present in population databases (ExAC no frequency). This variant has not been reported in the literature in individuals with ALK-related conditions. Algorithms developed to predict the effect of missense changes on protein structure and function are either unavailable or do not agree on the potential impact of this missense change (SIFT: "Deleterious"; PolyPhen-2: "Benign"; Align-GVGD: "Class C0"). In summary, the available evidence is currently insufficient to determine the role of this variant in disease. Therefore, it has been classified as a Variant of Uncertain Significance.

NM_004304.5(ALK):c.670C>A (p.His224Asn)

Gene: ALK (ALK receptor tyrosine kinase; minus strand). Cytogenetic location: 2p23.2.
Variant type: single nucleotide variant.
Coding change: c.670C>A on transcript NM_004304.5 (MANE Select); coding-DNA position 670, C replaced by A.
Protein change: p.His224Asn; replaces histidine 224 with asparagine.
Molecular consequence: missense variant.
Genome position (GRCh38, 1-based): chr2:29,717,695, G>T on the plus strand (C>A on the coding strand, the complement: ALK is on the minus strand). VCF-style: chr2-29717695-G-T. GRCh37 (hg19) VCF-style: chr2-29940561-G-T.
Other names: c.670C>A (NM_004304.4); short protein forms H224N.
Identifiers: ClinVar variation 1517606 (VCV001517606.9), dbSNP rs1407129567, ClinGen allele CA346587857.